The following is an entry in ClinVar:

NM_000551.4(VHL):c.340+755del

Genes: VHL (von Hippel-Lindau tumor suppressor; plus strand), LOC107303340 (3p25 von Hippel-Lindau tumor suppressor, E3 ubiquitin protein ligase Alu-mediated recombination region; plus strand). Cytogenetic location: 3p25.3.
Variant type: Deletion.
Coding change: c.340+755del on transcript NM_000551.4 (MANE Select); 755 bases into the intron after coding-DNA position 340, one base deleted (T; older notation c.340+755delT).
Molecular consequence: intron variant. On other transcripts: frameshift variant (1).
Genome position (GRCh38, 1-based): chr3:10,142,942, T deleted; the last of 2 consecutive T bases (chr3:10,142,941-10,142,942); deleting either gives the same sequence. VCF-style (leftmost placement, unchanged base first): chr3-10142940-GT-G. GRCh37 (hg19) VCF-style: chr3-10184624-GT-G.
Other names: c.520del, p.Cys174fs (NM_001354723.2); c.340+755del (NM_198156.3); short protein forms C174fs.
Identifiers: ClinVar variation 1948434 (VCV001948434.5), dbSNP rs2470160220, ClinGen allele CA2580068444.

ClinVar aggregate classification (germline): Uncertain significance (1 of 4 stars; one submission).

Conditions:
Chuvash polycythemia. Also called: POLYCYTHEMIA, VHL-DEPENDENT. Identifiers: Orphanet 238557, MedGen C1837915, MONDO:0009892, OMIM 263400.
Von Hippel-Lindau syndrome (VHLS). Also called: von Hippel–Lindau syndrome; Von Hippel-Lindau; VHL syndrome. Identifiers: Orphanet 892, MedGen C0019562, MONDO:0008667, OMIM 193300. Disease mechanism: loss of function.

Submission:

Labcorp Genetics (formerly Invitae), Labcorp
Classification: Uncertain significance for Von Hippel-Lindau syndrome; Chuvash polycythemia. Last evaluated: 2025-04-30. Review status: criteria provided, single submitter. Criteria: Invitae Variant Classification Sherloc (09022015). Collection method: clinical testing. Allele origin: germline.
Comment: This sequence change falls in intron 1 of the VHL gene. It is not expected to change the encoded amino acid sequence of the VHL protein. However, this sequence change falls within a cryptic exon in the VHL gene, known as exon E1’, which is naturally expressed at low levels in several human tissues (PMID: 29891534). This variant is not present in population databases (gnomAD no frequency). This variant has not been reported in the literature in individuals affected with VHL-related conditions. ClinVar contains an entry for this variant (Variation ID: 1948434). Experimental studies and prediction algorithms are not available or were not evaluated, and the functional significance of this variant is currently unknown. Algorithms developed to predict the effect of sequence changes on RNA splicing suggest that this variant is not likely to affect RNA splicing. In summary, the available evidence is currently insufficient to determine the role of this variant in disease. Therefore, it has been classified as a Variant of Uncertain Significance.

Literature cited by the submitters: PubMed 29891534.